The following is an entry in ClinVar:

ClinVar aggregate classification (germline): Uncertain significance (1 of 4 stars; one submission).

Submission:

GeneDx
Classification: Uncertain significance. Last evaluated: 2024-02-09. Review status: criteria provided, single submitter. Criteria: GeneDx Variant Classification Process June 2021. Collection method: clinical testing. Allele origin: germline. Affected: yes.
Comment: Not observed at significant frequency in large population cohorts (gnomAD); In silico analysis supports that this variant does not alter splicing; Has not been previously published as pathogenic or benign to our knowledge

NM_001099274.3(TINF2):c.508-7C>T

Gene: TINF2 (TERF1 interacting nuclear factor 2; minus strand). Cytogenetic location: 14q12.
Variant type: single nucleotide variant.
Coding change: c.508-7C>T on transcript NM_001099274.3 (MANE Select); 7 bases into the intron before coding-DNA position 508, C replaced by T.
Molecular consequence: intron variant.
Genome position (GRCh38, 1-based): chr14:24,241,123, G>A on the plus strand (C>T on the coding strand, the complement: TINF2 is on the minus strand). VCF-style: chr14-24241123-G-A. GRCh37 (hg19) VCF-style: chr14-24710329-G-A.
Other names: c.508-7C>T (NM_012461.3); c.403-7C>T (NM_001363668.2).
Identifiers: ClinVar variation 3369102 (VCV003369102.1).